The following is an entry in ClinVar:

NM_000629.3(IFNAR1):c.934G>T (p.Gly312Ter)

Gene: IFNAR1 (interferon alpha and beta receptor subunit 1; plus strand). Cytogenetic location: 21q22.11.
Variant type: single nucleotide variant.
Coding change: c.934G>T on transcript NM_000629.3 (MANE Select); coding-DNA position 934, G replaced by T.
Protein change: p.Gly312Ter; replaces glycine 312 with a stop codon.
Molecular consequence: nonsense.
Genome position (GRCh38, 1-based): chr21:33,349,236, G>T. VCF-style: chr21-33349236-G-T. GRCh37 (hg19) VCF-style: chr21-34721542-G-T.
Other names: c.934G>T, p.Gly312Ter (NM_001384498.1, NM_001384499.1, NM_001384503.1); c.172G>T, p.Gly58Ter (NM_001384500.1); c.919G>T, p.Gly307Ter (NM_001384501.1); c.472G>T, p.Gly158Ter (NM_001384502.1); c.727G>T, p.Gly243Ter (NM_001384504.1); c.934G>T (NM_000629.2); short protein forms G243*, G312*, G58*, G158*, G307*.
Identifiers: ClinVar variation 1452864 (VCV001452864.7), dbSNP rs752375500, ClinGen allele CA10006620.
Genomic context (GRCh38, chr21:33,349,236, plus strand): 5'-GTCTTTCCTCAAAACGTTTTCCAAAAAGGAATTTACCTTCTCCGCGTACAAGCATCTGAT[G>T]GAAATAACACATCTTTTTGGTCTGAAGAGATAAAGTTTGATACTGAAATACAAGGTAAGG-3'

ClinVar aggregate classification (germline): Pathogenic/Likely pathogenic. Review status: criteria provided, multiple submitters, no conflicts (2 of 4 stars). 2 submissions from 2 submitters: Pathogenic (1); Likely pathogenic (1). Last evaluated 2026-01-11.

Conditions:
IFNAR1-related disorder. Also called: IFNAR1-related condition.

Allele frequency attached by ClinVar (database versions not stated): gnomAD 0.00001; TOPMed 0.00001; ExAC 0.00002; gnomAD exomes 0.00002 and 0.00003.
gnomAD v4.1: 13 of 1,613,170 alleles (0.00081%); highest among the groups gnomAD compares: Admixed American, 0.018%; no homozygotes.

Submissions (2):

Labcorp Genetics (formerly Invitae), Labcorp
Classification: Pathogenic. Last evaluated: 2026-01-11. Review status: criteria provided, single submitter. Criteria: Invitae Variant Classification Sherloc (09022015). Collection method: clinical testing. Allele origin: germline.
Comment: This sequence change creates a premature translational stop signal (p.Gly312*) in the IFNAR1 gene. It is expected to result in an absent or disrupted protein product. Loss-of-function variants in IFNAR1 are known to be pathogenic (PMID: 31270247, 32960813). This variant is present in population databases (rs752375500, gnomAD 0.02%). This variant has not been reported in the literature in individuals affected with IFNAR1-related conditions. ClinVar contains an entry for this variant (Variation ID: 1452864). Algorithms developed to predict the effect of sequence changes on RNA splicing suggest that this variant may disrupt the consensus splice site. For these reasons, this variant has been classified as Pathogenic.

PreventionGenetics, part of Exact Sciences
Classification: Likely pathogenic for IFNAR1-related condition. Last evaluated: 2025-11-11. Review status: criteria provided, single submitter. Criteria: ACMG Guidelines, 2015. Collection method: clinical testing. Allele origin: germline.
Comment: The IFNAR1 c.934G>T variant is predicted to result in premature protein termination (p.Gly312*). To our knowledge, this variant has not been reported in the literature. This variant is reported in 0.020% of alleles in individuals of Latino descent in gnomAD. Nonsense variants in IFNAR1 are expected to be pathogenic. This variant is interpreted as likely pathogenic.

Literature cited by the submitters: PubMed 31270247 (cited by Labcorp Genetics (formerly Invitae), Labcorp); PubMed 32960813 (cited by Labcorp Genetics (formerly Invitae), Labcorp).